The following is an entry in ClinVar:

NM_001039886.4(ZNF808):c.101C>T (p.Ser34Leu)

Gene: ZNF808 (zinc finger protein 808; plus strand). Cytogenetic location: 19q13.41.
Variant type: single nucleotide variant.
Coding change: c.101C>T on transcript NM_001039886.4 (MANE Select); coding-DNA position 101, C replaced by T.
Protein change: p.Ser34Leu; replaces serine 34 with leucine.
Molecular consequence: missense variant. On other transcripts: intron variant (1).
Genome position (GRCh38, 1-based): chr19:52,547,549, C>T. VCF-style: chr19-52547549-C-T. GRCh37 (hg19) VCF-style: chr19-53050802-C-T.
Other names: c.101C>T, p.Ser34Leu (NM_001321424.2, NM_001321425.2); c.-18+4202C>T (NM_001363550.2); short protein forms S34L.
Identifiers: ClinVar variation 4612260 (VCV004612260.1).
Genomic context (GRCh38, chr19:52,547,549, plus strand): 5'-TTGAAATGTATGTTTCATTTTAGGGACGCTTGACTTTCAGGGATGTGGCTATAGAATTCT[C>T]ATTGGCAGAGTGGAAATTCCTGAACCCTGCACAGAGGGCTTTGTACAGGGAAGTGATGTT-3'
Protein context (NP_001034975.2, residues 24-44): LTFRDVAIEF[Ser34Leu]LAEWKFLNPA

ClinVar aggregate classification (germline): Uncertain significance (1 of 4 stars; one submission).

gnomAD v4.1: 1 of 1,614,012 alleles (0.000062%); highest among the groups gnomAD compares: Non-Finnish European, 0.000085%; no homozygotes.

Submission:

Ambry Genetics
Classification: Uncertain significance. Last evaluated: 2025-12-09. Review status: criteria provided, single submitter. Criteria: Ambry Variant Classification Scheme 2023. Collection method: clinical testing. Allele origin: germline.
Comment: The c.101C>T (p.S34L) alteration is located in exon 4 (coding exon 2) of the ZNF808 gene. This alteration results from a C to T substitution at nucleotide position 101, causing the serine (S) at amino acid position 34 to be replaced by a leucine (L). Based on data from gnomAD, the T allele has an overall frequency of <0.001% (1/251260) total alleles studied. The highest observed frequency was 0.001% (1/113682) of European (non-Finnish) alleles. Based on insufficient or conflicting evidence, the clinical significance of this alteration remains unclear.